The following is an entry in ClinVar:

NM_000540.3(RYR1):c.6191T>C (p.Met2064Thr)

Gene: RYR1 (ryanodine receptor 1; plus strand). Cytogenetic location: 19q13.2.
Variant type: single nucleotide variant.
Coding change: c.6191T>C on transcript NM_000540.3 (MANE Select); coding-DNA position 6191, T replaced by C.
Protein change: p.Met2064Thr; replaces methionine 2064 with threonine.
Molecular consequence: missense variant.
Genome position (GRCh38, 1-based): chr19:38,492,553, T>C. VCF-style: chr19-38492553-T-C. GRCh37 (hg19) VCF-style: chr19-38983193-T-C.
Other names: c.6191T>C, p.Met2064Thr (NM_001042723.2); short protein forms M2064T.
Identifiers: ClinVar variation 3315869 (VCV003315869.4).

ClinVar aggregate classification (germline): Uncertain significance. Review status: criteria provided, multiple submitters, no conflicts (2 of 4 stars). 4 submissions from 4 submitters: Uncertain significance (4). Last evaluated 2026-02-10.

Conditions:
Inborn genetic diseases. Identifiers: MedGen C0950123, MeSH D030342.

gnomAD v4.1: 8 of 1,613,928 alleles (0.0005%); highest among the groups gnomAD compares: South Asian, 0.0044%; no homozygotes.

Submissions (4):

GeneDx
Classification: Uncertain significance. Last evaluated: 2026-02-10. Review status: criteria provided, single submitter. Criteria: GeneDx Variant Classification Process June 2021. Collection method: clinical testing. Allele origin: germline.
Comment: Not observed at significant frequency in large population cohorts (gnomAD); In silico analysis suggests that this missense variant does not alter protein structure/function; Has not been previously published as pathogenic or benign to our knowledge

Women's Health and Genetics/Laboratory Corporation of America, LabCorp
Classification: Uncertain significance. Last evaluated: 2025-09-16. Review status: criteria provided, single submitter. Criteria: LabCorp Variant Classification Summary - May 2015. Collection method: clinical testing. Allele origin: germline.
Comment: Variant summary: RYR1 c.6191T>C (p.Met2064Thr) results in a non-conservative amino acid change in the encoded protein sequence. Algorithms developed to predict the effect of missense changes on protein structure and function are either unavailable or do not agree on the potential impact of this missense change. The variant allele was found at a frequency of 8e-06 in 251350 control chromosomes. The available data on variant occurrences in the general population are insufficient to allow any conclusion about variant significance. To our knowledge, no occurrence of c.6191T>C in individuals affected with RYR1-related conditions and no experimental evidence demonstrating its impact on protein function have been reported. ClinVar contains an entry for this variant (Variation ID: 3315869). Based on the evidence outlined above, the variant was classified as uncertain significance.

Revvity Omics, Revvity
Classification: Uncertain significance. Last evaluated: 2025-05-27. Review status: criteria provided, single submitter. Criteria: ACMG Guidelines, 2015. Collection method: clinical testing. Allele origin: germline.

Ambry Genetics
Classification: Uncertain significance for Inborn genetic diseases. Last evaluated: 2024-04-09. Review status: criteria provided, single submitter. Criteria: Ambry Variant Classification Scheme 2023. Collection method: clinical testing. Allele origin: germline.